The following is an entry in ClinVar:

ClinVar aggregate classification (germline): Uncertain significance. Review status: criteria provided, multiple submitters, no conflicts (2 of 4 stars). 3 submissions from 3 submitters: Uncertain significance (3). Last evaluated 2025-06-09.

Conditions:
Brachydactyly type B1 (BDB1). Identifiers: Orphanet 572385, Orphanet 93383, MedGen C1862112, MONDO:0007220, OMIM 113000.
Autosomal recessive Robinow syndrome (RRS1). Also called: ROR2-Related Robinow Syndrome; ROBINOW SYNDROME, AUTOSOMAL RECESSIVE 1; COSTOVERTEBRAL SEGMENTATION DEFECT WITH MESOMELIA; COVESDEM SYNDROME. Identifiers: Orphanet 1507, Orphanet 97360, MedGen C5399974, MONDO:0009999, OMIM 268310.
Inborn genetic diseases. Identifiers: MedGen C0950123, MeSH D030342.

Allele frequency attached by ClinVar (database versions not stated): gnomAD 0.00001 and 0.00002; gnomAD exomes 0.00002; TOPMed 0.00002; ESP Exome Variant Server 0.00008.
gnomAD v4.1: 37 of 1,607,642 alleles (0.0023%); highest among the groups gnomAD compares: Admixed American, 0.0067%; no homozygotes.

Submissions (3):

Ambry Genetics
Classification: Uncertain significance for Inborn genetic diseases. Last evaluated: 2025-06-09. Review status: criteria provided, single submitter. Criteria: Ambry Variant Classification Scheme 2023. Collection method: clinical testing. Allele origin: germline.

Labcorp Genetics (formerly Invitae), Labcorp
Classification: Uncertain significance. Last evaluated: 2025-03-17. Review status: criteria provided, single submitter. Criteria: Invitae Variant Classification Sherloc (09022015). Collection method: clinical testing. Allele origin: germline.
Comment: This sequence change replaces aspartic acid, which is acidic and polar, with asparagine, which is neutral and polar, at codon 560 of the ROR2 protein (p.Asp560Asn). This variant is not present in population databases (gnomAD no frequency). This variant has not been reported in the literature in individuals affected with ROR2-related conditions. ClinVar contains an entry for this variant (Variation ID: 1465346). Invitae Evidence Modeling of protein sequence and biophysical properties (such as structural, functional, and spatial information, amino acid conservation, physicochemical variation, residue mobility, and thermodynamic stability) indicates that this missense variant is expected to disrupt ROR2 protein function with a positive predictive value of 80%. In summary, the available evidence is currently insufficient to determine the role of this variant in disease. Therefore, it has been classified as a Variant of Uncertain Significance.

Fulgent Genetics
Classification: Uncertain significance for Brachydactyly type B1; Autosomal recessive Robinow syndrome. Last evaluated: 2024-05-08. Review status: criteria provided, single submitter. Criteria: ACMG Guidelines, 2015. Collection method: clinical testing. Allele origin: germline.

NM_004560.4(ROR2):c.1678G>A (p.Asp560Asn)

Gene: ROR2 (receptor tyrosine kinase like orphan receptor 2; minus strand). Cytogenetic location: 9q22.31.
Variant type: single nucleotide variant.
Coding change: c.1678G>A on transcript NM_004560.4 (MANE Select); coding-DNA position 1678, G replaced by A.
Protein change: p.Asp560Asn; replaces aspartic acid 560 with asparagine.
Molecular consequence: missense variant.
Genome position (GRCh38, 1-based): chr9:91,724,816, C>T on the plus strand (G>A on the coding strand, the complement: ROR2 is on the minus strand). VCF-style: chr9-91724816-C-T. GRCh37 (hg19) VCF-style: chr9-94487098-C-T.
Other names: c.1678G>A (NM_004560.3); short protein forms D560N.
Identifiers: ClinVar variation 1465346 (VCV001465346.10), dbSNP rs148793424, ClinGen allele CA195323705.